The following is an entry in ClinVar:

NM_014844.5(TECPR2):c.2649del (p.Lys884fs)

Gene: TECPR2 (tectonin beta-propeller repeat containing 2; plus strand). Cytogenetic location: 14q32.31.
Variant type: Deletion.
Coding change: c.2649del on transcript NM_014844.5 (MANE Select); coding-DNA position 2649, one base deleted (G; older notation c.2649delG).
Protein change: p.Lys884fs; shifts the reading frame from lysine 884.
Molecular consequence: frameshift variant.
Genome position (GRCh38, 1-based): chr14:102,440,506, G deleted; the last of 4 consecutive G bases (chr14:102,440,503-102,440,506); deleting any one gives the same sequence. VCF-style (leftmost placement, unchanged base first): chr14-102440502-AG-A. GRCh37 (hg19) VCF-style: chr14-102906839-AG-A.
Other names: c.2649del, p.Lys884fs (NM_001172631.3); short protein forms K884fs.
Identifiers: ClinVar variation 2134888 (VCV002134888.4), dbSNP rs2504437253, ClinGen allele CA2580088458.

ClinVar aggregate classification (germline): Pathogenic (1 of 4 stars; one submission).

Conditions:
Hereditary spastic paraplegia 49 (HSAN9). Also called: Spastic paraplegia 49, autosomal recessive; TECPR2-Related Hereditary Sensory and Autonomic Neuropathy with Intellectual Disability; NEUROPATHY, HEREDITARY SENSORY AND AUTONOMIC, TYPE IX, WITH DEVELOPMENTAL DELAY. Identifiers: Orphanet 320385, MedGen C5190860, MONDO:0014016, OMIM 615031.

Submission:

Labcorp Genetics (formerly Invitae), Labcorp
Classification: Pathogenic for Hereditary spastic paraplegia 49. Last evaluated: 2022-05-14. Review status: criteria provided, single submitter. Criteria: Invitae Variant Classification Sherloc (09022015). Collection method: clinical testing. Allele origin: germline.
Comment: For these reasons, this variant has been classified as Pathogenic. This variant has not been reported in the literature in individuals affected with TECPR2-related conditions. This sequence change creates a premature translational stop signal (p.Lys884Serfs*16) in the TECPR2 gene. It is expected to result in an absent or disrupted protein product. Loss-of-function variants in TECPR2 are known to be pathogenic (PMID: 23176824, 25590979). This variant is not present in population databases (gnomAD no frequency).

Literature cited by the submitters: PubMed 23176824; PubMed 25590979.